The following is an entry in ClinVar:

NM_000276.4(OCRL):c.43G>C (p.Val15Leu)

Gene: OCRL (OCRL inositol polyphosphate-5-phosphatase; plus strand). Cytogenetic location: Xq26.1.
Variant type: single nucleotide variant.
Coding change: c.43G>C on transcript NM_000276.4 (MANE Select); coding-DNA position 43, G replaced by C.
Protein change: p.Val15Leu; replaces valine 15 with leucine.
Molecular consequence: missense variant.
Genome position (GRCh38, 1-based): chrX:129,540,747, G>C. VCF-style: chrX-129540747-G-C. GRCh37 (hg19) VCF-style: chrX-128674724-G-C.
Other names: c.46G>C, p.Val16Leu (NM_001318784.2); c.43G>C, p.Val15Leu (NM_001587.4); short protein forms V15L, V16L.
Identifiers: ClinVar variation 1385858 (VCV001385858.8), dbSNP rs2071724829, ClinGen allele CA414550292.

ClinVar aggregate classification (germline): Uncertain significance (1 of 4 stars; one submission).

Conditions:
Lowe syndrome (OCRL). Also called: LOWE OCULOCEREBRORENAL SYNDROME; PHOSPHATIDYLINOSITOL 4,5-BISPHOSPHATE 5-PHOSPHATASE DEFICIENCY; Oculocerebrorenal Syndrome. Identifiers: Orphanet 534, MedGen C0028860, MONDO:0010645, OMIM 309000.

Submission:

Labcorp Genetics (formerly Invitae), Labcorp
Classification: Uncertain significance for Lowe syndrome. Last evaluated: 2023-09-11. Review status: criteria provided, single submitter. Criteria: Invitae Variant Classification Sherloc (09022015). Collection method: clinical testing. Allele origin: germline.
Comment: In summary, the available evidence is currently insufficient to determine the role of this variant in disease. Therefore, it has been classified as a Variant of Uncertain Significance. Advanced modeling of protein sequence and biophysical properties (such as structural, functional, and spatial information, amino acid conservation, physicochemical variation, residue mobility, and thermodynamic stability) performed at Invitae indicates that this missense variant is not expected to disrupt OCRL protein function. ClinVar contains an entry for this variant (Variation ID: 1385858). This variant has not been reported in the literature in individuals affected with OCRL-related conditions. This variant is not present in population databases (gnomAD no frequency). This sequence change replaces valine, which is neutral and non-polar, with leucine, which is neutral and non-polar, at codon 15 of the OCRL protein (p.Val15Leu).